The following is an entry in ClinVar:

NM_001388492.1(HTT):c.7776C>T (p.Ile2592=)

Gene: HTT (huntingtin; plus strand). Cytogenetic location: 4p16.3.
Variant type: single nucleotide variant.
Coding change: c.7776C>T on transcript NM_001388492.1 (MANE Select); coding-DNA position 7776, C replaced by T.
Protein change: p.Ile2592=; no amino-acid change (isoleucine 2592 retained).
Molecular consequence: synonymous variant.
Genome position (GRCh38, 1-based): chr4:3,225,671, C>T. VCF-style: chr4-3225671-C-T. GRCh37 (hg19) VCF-style: chr4-3227398-C-T.
Other names: c.7782C>T, p.Ile2594= (NM_002111.8).
Identifiers: ClinVar variation 3032380 (VCV003032380.1), dbSNP rs2474067696, ClinGen allele CA438135752.
Genomic context (GRCh38, chr4:3,225,671, plus strand): 5'-CGGCCCTGCCCCCCTGTGCAGATCAAGACTCAGGGTGCTGGTGTTCACAGGTGCCCTCAT[C>T]AGCCACGAGAAGCTGCTGCTACAGATCAACCCCGAGCGGGAGCTGGGGAGCATGAGCTAC-3'
Protein context (NP_001375421.1, residues 2582-2602): SLSPATTGAL[Ile2592=]SHEKLLLQIN

ClinVar aggregate classification (germline): Likely benign (1 of 4 stars; one submission).

Conditions:
HTT-related disorder. Also called: HTT-related condition.

Allele frequency attached by ClinVar (database versions not stated): gnomAD exomes below 0.00001.
gnomAD v4.1: 2 of 1,614,058 alleles (0.00012%); highest among the groups gnomAD compares: South Asian, 0.0022%; no homozygotes.

Submission:

PreventionGenetics, part of Exact Sciences
Classification: Likely benign for HTT-related condition. Last evaluated: 2021-03-16. Review status: criteria provided, single submitter. Criteria: ACMG Guidelines, 2015. Collection method: clinical testing. Allele origin: germline.
Comment: This variant is classified as likely benign based on ACMG/AMP sequence variant interpretation guidelines (Richards et al. 2015 PMID: 25741868, with internal and published modifications).